The following is an entry in ClinVar:

NM_001040108.2(MLH3):c.3904G>A (p.Gly1302Arg)

Gene: MLH3 (mutL homolog 3; minus strand). Cytogenetic location: 14q24.3.
Variant type: single nucleotide variant.
Coding change: c.3904G>A on transcript NM_001040108.2 (MANE Select); coding-DNA position 3904, G replaced by A.
Protein change: p.Gly1302Arg; replaces glycine 1302 with arginine.
Molecular consequence: missense variant.
Genome position (GRCh38, 1-based): chr14:75,030,626, C>T on the plus strand (G>A on the coding strand, the complement: MLH3 is on the minus strand). VCF-style: chr14-75030626-C-T. GRCh37 (hg19) VCF-style: chr14-75497329-C-T.
Other names: c.3832G>A, p.Gly1278Arg (NM_014381.3); short protein forms G1302R, G1278R.
Identifiers: ClinVar variation 2141396 (VCV002141396.4), dbSNP rs766865174, ClinGen allele CA7275301.

ClinVar aggregate classification (germline): Uncertain significance (1 of 4 stars; one submission).

Conditions:
Colorectal cancer, hereditary nonpolyposis, type 7. Identifiers: Orphanet 144, MedGen C1858380, MONDO:0013725, OMIM 614385.

Allele frequency attached by ClinVar (database versions not stated): ExAC 0.00001; gnomAD exomes 0.00001.
gnomAD v4.1: 3 of 1,613,672 alleles (0.00019%); highest among the groups gnomAD compares: Non-Finnish European, 0.00025%; no homozygotes.

Submission:

Labcorp Genetics (formerly Invitae), Labcorp
Classification: Uncertain significance for Colorectal cancer, hereditary nonpolyposis, type 7. Last evaluated: 2022-09-27. Review status: criteria provided, single submitter. Criteria: Invitae Variant Classification Sherloc (09022015). Collection method: clinical testing. Allele origin: germline.
Comment: In summary, the available evidence is currently insufficient to determine the role of this variant in disease. Therefore, it has been classified as a Variant of Uncertain Significance. Algorithms developed to predict the effect of missense changes on protein structure and function are either unavailable or do not agree on the potential impact of this missense change (SIFT: "Tolerated"; PolyPhen-2: "Possibly Damaging"; Align-GVGD: "Class C0"). This variant has not been reported in the literature in individuals affected with MLH3-related conditions. This variant is present in population databases (rs766865174, gnomAD 0.0009%). This sequence change replaces glycine, which is neutral and non-polar, with arginine, which is basic and polar, at codon 1302 of the MLH3 protein (p.Gly1302Arg).